The following is an entry in ClinVar:

ClinVar aggregate classification (germline): Uncertain significance. Review status: criteria provided, multiple submitters, no conflicts (2 of 4 stars). 2 submissions from 2 submitters: Uncertain significance (2). Last evaluated 2025-05-11.

Conditions:
Hereditary cancer-predisposing syndrome. Also called: Tumor predisposition; Hereditary neoplastic syndrome; Hereditary Cancer Syndrome; Neoplastic Syndromes, Hereditary. Identifiers: Orphanet 140162, MedGen C0027672, MeSH D009386, MONDO:0015356.

Submissions (2):

Ambry Genetics
Classification: Uncertain significance for Hereditary cancer-predisposing syndrome. Last evaluated: 2025-05-11. Review status: criteria provided, single submitter. Criteria: Ambry Variant Classification Scheme 2023. Collection method: clinical testing. Allele origin: germline.
Comment: The p.S1117C variant (also known as c.3350C>G), located in coding exon 27 of the POLE gene, results from a C to G substitution at nucleotide position 3350. The serine at codon 1117 is replaced by cysteine, an amino acid with dissimilar properties. This amino acid position is conserved. In addition, this alteration is predicted to be tolerated by in silico analysis. Based on the available evidence, the clinical significance of this variant remains unclear.

Labcorp Genetics (formerly Invitae), Labcorp
Classification: Uncertain significance. Last evaluated: 2024-06-08. Review status: criteria provided, single submitter. Criteria: Invitae Variant Classification Sherloc (09022015). Collection method: clinical testing. Allele origin: germline.
Comment: This sequence change replaces serine, which is neutral and polar, with cysteine, which is neutral and slightly polar, at codon 1117 of the POLE protein (p.Ser1117Cys). This variant is not present in population databases (gnomAD no frequency). This variant has not been reported in the literature in individuals affected with POLE-related conditions. ClinVar contains an entry for this variant (Variation ID: 1463819). Advanced modeling of protein sequence and biophysical properties (such as structural, functional, and spatial information, amino acid conservation, physicochemical variation, residue mobility, and thermodynamic stability) performed at Invitae indicates that this missense variant is not expected to disrupt POLE protein function with a negative predictive value of 80%. In summary, the available evidence is currently insufficient to determine the role of this variant in disease. Therefore, it has been classified as a Variant of Uncertain Significance.

NM_006231.4(POLE):c.3350C>G (p.Ser1117Cys)

Gene: POLE (DNA polymerase epsilon, catalytic subunit; minus strand). Cytogenetic location: 12q24.33.
Variant type: single nucleotide variant.
Coding change: c.3350C>G on transcript NM_006231.4 (MANE Select); coding-DNA position 3350, C replaced by G.
Protein change: p.Ser1117Cys; replaces serine 1117 with cysteine.
Molecular consequence: missense variant.
Genome position (GRCh38, 1-based): chr12:132,657,896, G>C on the plus strand (C>G on the coding strand, the complement: POLE is on the minus strand). VCF-style: chr12-132657896-G-C. GRCh37 (hg19) VCF-style: chr12-133234482-G-C.
Other names: c.3350C>G (NM_006231.2); short protein forms S1117C.
Identifiers: ClinVar variation 1463819 (VCV001463819.7), dbSNP rs1555225302, ClinGen allele CA387389634.